The following is an entry in ClinVar:

NM_001913.5(CUX1):c.1792A>G (p.Ser598Gly)

Gene: CUX1 (cut like homeobox 1; plus strand). Cytogenetic location: 7q22.1.
Variant type: single nucleotide variant.
Coding change: c.1792A>G on transcript NM_001913.5 (MANE Plus Clinical); coding-DNA position 1792, A replaced by G.
Protein change: p.Ser598Gly; replaces serine 598 with glycine.
Molecular consequence: missense variant.
Genome position (GRCh38, 1-based): chr7:102,280,831, A>G. VCF-style: chr7-102280831-A-G. GRCh37 (hg19) VCF-style: chr7-101924123-A-G.
Other names: c.1744A>G, p.Ser582Gly (NM_001202544.3); c.1654A>G, p.Ser552Gly (NM_001202545.3); c.1675A>G, p.Ser559Gly (NM_001202546.3); c.1786A>G, p.Ser596Gly (NM_181500.4); short protein forms S552G, S559G, S582G, S596G, S598G.
Identifiers: ClinVar variation 3363625 (VCV003363625.1).

ClinVar aggregate classification (germline): Uncertain significance (1 of 4 stars; one submission).

Submission:

GeneDx
Classification: Uncertain significance. Last evaluated: 2023-11-09. Review status: criteria provided, single submitter. Criteria: GeneDx Variant Classification Process June 2021. Collection method: clinical testing. Allele origin: germline. Affected: yes.
Comment: Not observed at significant frequency in large population cohorts (gnomAD); In silico analysis supports that this missense variant does not alter protein structure/function; Has not been previously published as pathogenic or benign to our knowledge; Reported using an alternate transcript of the gene